The following is an entry in ClinVar:

ClinVar aggregate classification (germline): Uncertain significance. Review status: criteria provided, multiple submitters, no conflicts (2 of 4 stars). 2 submissions from 2 submitters: Uncertain significance (2). Last evaluated 2022-09-13.

Conditions:
Hereditary cancer-predisposing syndrome. Also called: Neoplastic Syndromes, Hereditary; Tumor predisposition; Hereditary neoplastic syndrome; Hereditary Cancer Syndrome. Identifiers: Orphanet 140162, MedGen C0027672, MeSH D009386, MONDO:0015356.
Fanconi anemia (FA). Also called: Fanconi's anemia. Identifiers: Orphanet 84, MedGen C0015625, MeSH D005199, MONDO:0019391.

Allele frequency attached by ClinVar (database versions not stated): gnomAD exomes below 0.00001.
gnomAD v4.1: 2 of 1,613,582 alleles (0.00012%); highest among the groups gnomAD compares: East Asian, 0.0022%; no homozygotes.

Submissions (2):

Ambry Genetics
Classification: Uncertain significance for Hereditary cancer-predisposing syndrome. Last evaluated: 2022-09-13. Review status: criteria provided, single submitter. Criteria: Ambry Variant Classification Scheme 2023. Collection method: clinical testing. Allele origin: germline.
Comment: The p.A336S variant (also known as c.1006G>T), located in coding exon 10 of the FANCC gene, results from a G to T substitution at nucleotide position 1006. The alanine at codon 336 is replaced by serine, an amino acid with similar properties. This amino acid position is conserved. In addition, this alteration is predicted to be tolerated by in silico analysis. Since supporting evidence is limited at this time, the clinical significance of this alteration remains unclear.

Labcorp Genetics (formerly Invitae), Labcorp
Classification: Uncertain significance for Fanconi anemia. Last evaluated: 2022-07-31. Review status: criteria provided, single submitter. Criteria: Invitae Variant Classification Sherloc (09022015). Collection method: clinical testing. Allele origin: germline.
Comment: This sequence change replaces alanine, which is neutral and non-polar, with serine, which is neutral and polar, at codon 336 of the FANCC protein (p.Ala336Ser). The frequency data for this variant in the population databases is considered unreliable, as metrics indicate poor data quality at this position in the gnomAD database. This variant has not been reported in the literature in individuals affected with FANCC-related conditions. ClinVar contains an entry for this variant (Variation ID: 643933). Algorithms developed to predict the effect of missense changes on protein structure and function output the following: SIFT: "Tolerated"; PolyPhen-2: "Benign"; Align-GVGD: "Class C0". The serine amino acid residue is found in multiple mammalian species, which suggests that this missense change does not adversely affect protein function. In summary, the available evidence is currently insufficient to determine the role of this variant in disease. Therefore, it has been classified as a Variant of Uncertain Significance.

NM_000136.3(FANCC):c.1006G>T (p.Ala336Ser)

Genes: AOPEP (aminopeptidase O (putative); plus strand), FANCC (FA complementation group C; minus strand). Cytogenetic location: 9q22.32.
Variant type: single nucleotide variant.
Coding change: c.1006G>T on transcript NM_000136.3 (MANE Select); coding-DNA position 1006, G replaced by T.
Protein change: p.Ala336Ser; replaces alanine 336 with serine.
Molecular consequence: missense variant.
Genome position (GRCh38, 1-based): chr9:95,117,381, C>A on the plus strand (G>T on the coding strand, the complement: FANCC is on the minus strand). VCF-style: chr9-95117381-C-A. GRCh37 (hg19) VCF-style: chr9-97879663-C-A.
Other names: c.1006G>T, p.Ala336Ser (NM_001243743.2, NM_001243744.2); short protein forms A336S.
Identifiers: ClinVar variation 643933 (VCV000643933.10), dbSNP rs78555330, ClinGen allele CA196547181.
Genomic context (GRCh38, chr9:95,117,381, plus strand): 5'-GGTCTTGCAGCAGCACCATGGCAAGAGATGGAGAAGTGTAAGGAAAGTAGGTCTTGAGTG[C>A]AAACCGCAGCTGCCACAGGATGGAAAATCCAAAGAGCATGAACATTAAGATTGAAACGGG-3'
Protein context (NP_000127.2, residues 326-346): LEKASKQLRF[Ala336Ser]LKTYFPYTSP